The following is an entry in ClinVar:

NM_000038.6(APC):c.5083_5084insTGCCTACAGAAGGCA (p.Gly1694_Arg1695insMetProThrGluGly)

Gene: APC (APC regulator of Wnt signaling pathway; plus strand). Cytogenetic location: 5q22.2.
Variant type: Insertion.
Coding change: c.5083_5084insTGCCTACAGAAGGCA on transcript NM_000038.6 (MANE Select); coding-DNA positions 5083 to 5084, TGCCTACAGAAGGCA inserted.
Protein change: p.Gly1694_Arg1695insMetProThrGluGly.
Molecular consequence: non-coding transcript variant (on NR_176365.1).
Genome position: GRCh38 VCF-style: chr5-112840664-T-TCCTACAGAAGGCATG. GRCh37 (hg19) VCF-style: chr5-112176361-T-TCCTACAGAAGGCATG.
Other names: c.5083_5084insTGCCTACAGAAGGCA, p.Gly1694_Arg1695insMetProThrGluGly (NM_001127510.3, NM_001354895.2, NM_001407450.1); c.5029_5030insTGCCTACAGAAGGCA, p.Gly1676_Arg1677insMetProThrGluGly (NM_001127511.3); c.5137_5138insTGCCTACAGAAGGCA, p.Gly1712_Arg1713insMetProThrGluGly (NM_001354896.2, NM_001407447.1, NM_001407448.1 and 1 more transcripts); c.5113_5114insTGCCTACAGAAGGCA, p.Gly1704_Arg1705insMetProThrGluGly (NM_001354897.2); c.5008_5009insTGCCTACAGAAGGCA, p.Gly1669_Arg1670insMetProThrGluGly (NM_001354898.2); c.4999_5000insTGCCTACAGAAGGCA, p.Gly1666_Arg1667insMetProThrGluGly (NM_001354899.2); c.4960_4961insTGCCTACAGAAGGCA, p.Gly1653_Arg1654insMetProThrGluGly (NM_001354900.2); c.4906_4907insTGCCTACAGAAGGCA, p.Gly1635_Arg1636insMetProThrGluGly (NM_001354901.2, NM_001407453.1); and 11 more.
Identifiers: ClinVar variation 4770141 (VCV004770141.1).
Genomic context (GRCh38, chr5:112,840,664, plus strand): 5'-TGCTGGAGAAGGAGTTAGAGGAGGGGCACAGTCAGGTGAATTTGAAAAACGAGATACCAT[T>TCCTACAGAAGGCATG]CCTACAGAAGGCAGAAGTACAGATGAGGCTCAAGGAGGAAAAACCTCATCTGTAACCATA-3'

ClinVar aggregate classification (germline): Uncertain significance (1 of 4 stars; one submission).

Conditions:
Familial adenomatous polyposis 1 (FAP1). Also called: FAMILIAL ADENOMATOUS POLYPOSIS 1, ATTENUATED; POLYPOSIS, ADENOMATOUS INTESTINAL. Identifiers: MedGen C2713442, MONDO:0021056, OMIM 175100. Disease mechanism: loss of function.

Submission:

Labcorp Genetics (formerly Invitae), Labcorp
Classification: Uncertain significance for Familial adenomatous polyposis 1. Last evaluated: 2025-03-28. Review status: criteria provided, single submitter. Criteria: Invitae Variant Classification Sherloc (09022015). Collection method: clinical testing. Allele origin: germline.
Comment: This variant, c.5083_5084insTGCCTACAGAAGGCA, results in the insertion of 5 amino acid(s) of the APC protein (p.Gly1694_Arg1695insMetProThrGluGly), but otherwise preserves the integrity of the reading frame. This variant is not present in population databases (gnomAD no frequency). This variant has not been reported in the literature in individuals affected with APC-related conditions. In summary, the available evidence is currently insufficient to determine the role of this variant in disease. Therefore, it has been classified as a Variant of Uncertain Significance.